The following is an entry in ClinVar:

NM_213653.4(HJV):c.1142T>G (p.Leu381Arg)

Gene: HJV (hemojuvelin BMP co-receptor; minus strand). Cytogenetic location: 1q21.1.
Variant type: single nucleotide variant.
Coding change: c.1142T>G on transcript NM_213653.4 (MANE Select); coding-DNA position 1142, T replaced by G.
Protein change: p.Leu381Arg; replaces leucine 381 with arginine.
Molecular consequence: missense variant.
Genome position (GRCh38, 1-based): chr1:146,018,216, A>C on the plus strand (T>G on the coding strand, the complement: HJV is on the minus strand). VCF-style: chr1-146018216-A-C. GRCh37 (hg19) VCF-style: chr1-145416797-T-G.
Other names: c.803T>G, p.Leu268Arg (NM_145277.5); c.464T>G, p.Leu155Arg (NM_202004.4, NM_213652.4, NM_001316767.2); c.1142T>G, p.Leu381Arg (NM_001379352.1); short protein forms L268R, L155R, L381R.
Identifiers: ClinVar variation 2901078 (VCV002901078.3), dbSNP rs2525743285, ClinGen allele CA342132474.
Genomic context (GRCh38, chr1:146,018,216, plus strand): 5'-GCATCTGAGGGGAAGAGATGCAGCTTCTCTAAGTCTGGCAGGAAGGCTCGGGCATCCTCC[A>C]GTGCTGCCTGAGCTGCCACGGTAAAGTTGGGATCACCAGAAATTAAAACATCAAAGACAC-3'
Protein context (NP_998818.1, residues 371-391): PNFTVAAQAA[Leu381Arg]EDARAFLPDL

ClinVar aggregate classification (germline): Uncertain significance (1 of 4 stars; one submission).

Allele frequency attached by ClinVar (database versions not stated): gnomAD exomes below 0.00001.

Submission:

Labcorp Genetics (formerly Invitae), Labcorp
Classification: Uncertain significance. Last evaluated: 2023-03-17. Review status: criteria provided, single submitter. Criteria: Invitae Variant Classification Sherloc (09022015). Collection method: clinical testing. Allele origin: germline.
Comment: In summary, the available evidence is currently insufficient to determine the role of this variant in disease. Therefore, it has been classified as a Variant of Uncertain Significance. An algorithm developed to predict the effect of missense changes on protein structure and function (PolyPhen-2) suggests that this variant is likely to be disruptive. This variant has not been reported in the literature in individuals affected with HJV-related conditions. This variant is not present in population databases (gnomAD no frequency). This sequence change replaces leucine, which is neutral and non-polar, with arginine, which is basic and polar, at codon 381 of the HJV protein (p.Leu381Arg).